The following is an entry in ClinVar:

ClinVar aggregate classification (germline): Uncertain significance (1 of 4 stars; one submission).

Conditions:
Progressive myoclonic epilepsy type 5. Identifiers: Orphanet 402082, MedGen C5190799.

Allele frequency attached by ClinVar (database versions not stated): TOPMed 0.00002; ExAC 0.00002.

Submission:

Labcorp Genetics (formerly Invitae), Labcorp
Classification: Uncertain significance for Progressive myoclonic epilepsy type 5. Last evaluated: 2023-12-08. Review status: criteria provided, single submitter. Criteria: Invitae Variant Classification Sherloc (09022015). Collection method: clinical testing. Allele origin: germline.
Comment: This sequence change replaces aspartic acid, which is acidic and polar, with glutamic acid, which is acidic and polar, at codon 141 of the PRICKLE2 protein (p.Asp141Glu). This variant is present in population databases (rs762381874, gnomAD 0.01%). This variant has not been reported in the literature in individuals affected with PRICKLE2-related conditions. ClinVar contains an entry for this variant (Variation ID: 642086). Advanced modeling of protein sequence and biophysical properties (such as structural, functional, and spatial information, amino acid conservation, physicochemical variation, residue mobility, and thermodynamic stability) performed at Invitae indicates that this missense variant is not expected to disrupt PRICKLE2 protein function with a negative predictive value of 80%. In summary, the available evidence is currently insufficient to determine the role of this variant in disease. Therefore, it has been classified as a Variant of Uncertain Significance.

NM_198859.4(PRICKLE2):c.423C>A (p.Asp141Glu)

Gene: PRICKLE2 (prickle planar cell polarity protein 2; minus strand). Cytogenetic location: 3p14.1.
Variant type: single nucleotide variant.
Coding change: c.423C>A on transcript NM_198859.4 (MANE Select); coding-DNA position 423, C replaced by A.
Protein change: p.Asp141Glu; replaces aspartic acid 141 with glutamic acid.
Molecular consequence: missense variant.
Genome position (GRCh38, 1-based): chr3:64,157,339, G>T on the plus strand (C>A on the coding strand, the complement: PRICKLE2 is on the minus strand). VCF-style: chr3-64157339-G-T. GRCh37 (hg19) VCF-style: chr3-64143015-G-T.
Other names: c.423C>A, p.Asp141Glu (NM_001370528.1); short protein forms D141E.
Identifiers: ClinVar variation 642086 (VCV000642086.6), dbSNP rs762381874, ClinGen allele CA2479821.